The following is an entry in ClinVar:

NM_000344.4(SMN1):c.*2G>C

Gene: SMN1 (survival of motor neuron 1, telomeric). Cytogenetic location: 5q13.2.
Variant type: single nucleotide variant.
Coding change: c.*2G>C on transcript NM_000344.4 (MANE Select); 2 bases downstream of the stop codon, G replaced by C.
Molecular consequence: 3 prime UTR variant. On other transcripts: intron variant (1).
Genome position (GRCh38, 1-based): chr5:70,951,993, G>C. VCF-style: chr5-70951993-G-C. GRCh37 (hg19) VCF-style: chr5-70247820-G-C.
Other names: c.*2G>C (NM_022874.2); c.835-446G>C (NM_001297715.1).
Identifiers: ClinVar variation 633423 (VCV000633423.1), dbSNP rs1286965446, ClinGen allele CA913189609.

ClinVar aggregate classification (germline): Uncertain significance (1 of 4 stars; one submission).

Submission:

Women's Health and Genetics/Laboratory Corporation of America, LabCorp
Classification: Uncertain significance. Last evaluated: 2018-10-22. Review status: criteria provided, single submitter. Criteria: LabCorp Variant Classification Summary - May 2015. Collection method: clinical testing. Allele origin: germline.
Comment: Variant summary: SMN1 c.*2G>C is located in the untranslated mRNA region downstream of the termination codon. 5/5 computational tools predict no significant impact on normal splicing. However, these predictions have yet to be confirmed by functional studies. The variant was absent in 242952 control chromosomes. The available data on variant occurrences in the general population are insufficient to allow any conclusion about variant significance. To our knowledge, no occurrence of c.*2G>C in individuals affected with Spinal Muscular Atrophy and no experimental evidence demonstrating its impact on protein function have been reported. No clinical diagnostic laboratories have submitted clinical-significance assessments for this variant to ClinVar after 2014. Based on the evidence outlined above, the variant was classified as uncertain significance.